The following is an entry in ClinVar:

NM_000479.5(AMH):c.656G>A (p.Arg219His)

Gene: AMH (anti-Mullerian hormone; plus strand). Cytogenetic location: 19p13.3.
Variant type: single nucleotide variant.
Coding change: c.656G>A on transcript NM_000479.5 (MANE Select); coding-DNA position 656, G replaced by A.
Protein change: p.Arg219His; replaces arginine 219 with histidine.
Molecular consequence: missense variant.
Genome position (GRCh38, 1-based): chr19:2,250,752, G>A. VCF-style: chr19-2250752-G-A. GRCh37 (hg19) VCF-style: chr19-2250751-G-A.
Other names: c.656G>A (NM_000479.3); short protein forms R219H.
Identifiers: ClinVar variation 1439769 (VCV001439769.7), dbSNP rs768713502, ClinGen allele CA9062933.

ClinVar aggregate classification (germline): Uncertain significance. Review status: criteria provided, multiple submitters, no conflicts (2 of 4 stars). 2 submissions from 2 submitters: Uncertain significance (2). Last evaluated 2025-08-19.

Conditions:
Inborn genetic diseases. Identifiers: MedGen C0950123, MeSH D030342.

Allele frequency attached by ClinVar (database versions not stated): gnomAD 0.00015 and 0.00016; TOPMed 0.00017; 1000 Genomes Project 30x 0.00031.

Submissions (2):

Ambry Genetics
Classification: Uncertain significance for Inborn genetic diseases. Last evaluated: 2025-08-19. Review status: criteria provided, single submitter. Criteria: Ambry Variant Classification Scheme 2023. Collection method: clinical testing. Allele origin: germline.

Labcorp Genetics (formerly Invitae), Labcorp
Classification: Uncertain significance. Last evaluated: 2021-11-05. Review status: criteria provided, single submitter. Criteria: Invitae Variant Classification Sherloc (09022015). Collection method: clinical testing. Allele origin: germline.
Comment: This sequence change replaces arginine, which is basic and polar, with histidine, which is basic and polar, at codon 219 of the AMH protein (p.Arg219His). The frequency data for this variant in the population databases is considered unreliable, as metrics indicate poor data quality at this position in the gnomAD database. This variant has not been reported in the literature in individuals affected with AMH-related conditions. Algorithms developed to predict the effect of missense changes on protein structure and function output the following: SIFT: "Not Available"; PolyPhen-2: "Probably Damaging"; Align-GVGD: "Not Available". The histidine amino acid residue is found in multiple mammalian species, which suggests that this missense change does not adversely affect protein function. In summary, the available evidence is currently insufficient to determine the role of this variant in disease. Therefore, it has been classified as a Variant of Uncertain Significance.